The following is an entry in ClinVar:

NM_022114.4(PRDM16):c.1508C>T (p.Ala503Val)

Gene: PRDM16 (PR/SET domain 16; plus strand). Cytogenetic location: 1p36.32.
Variant type: single nucleotide variant.
Coding change: c.1508C>T on transcript NM_022114.4 (MANE Select); coding-DNA position 1508, C replaced by T.
Protein change: p.Ala503Val; replaces alanine 503 with valine.
Molecular consequence: missense variant.
Genome position (GRCh38, 1-based): chr1:3,411,705, C>T. VCF-style: chr1-3411705-C-T. GRCh37 (hg19) VCF-style: chr1-3328269-C-T.
Other names: c.1508C>T, p.Ala503Val (NM_199454.3); short protein forms A503V.
Identifiers: ClinVar variation 641621 (VCV000641621.6), dbSNP rs1012036612, ClinGen allele CA16966359.
Genomic context (GRCh38, chr1:3,411,705, plus strand): 5'-TGGGCTTCAACGAGTACTTTCCCTCCAGGCCGCACCCGGGGAGCCTGCCCTTCTCCACGG[C>T]GCCTCCCACGTTCCCCGCACTCACCCCCGGCTTCCCGGGCATCTTCCCTCCATCCTTGTA-3'
Protein context (NP_071397.3, residues 493-513): PHPGSLPFST[Ala503Val]PPTFPALTPG

ClinVar aggregate classification (germline): Uncertain significance (1 of 4 stars; one submission).

Conditions:
Left ventricular noncompaction 8 (LVNC8). Identifiers: Orphanet 154, Orphanet 54260, MedGen C3809288, MONDO:0014152, OMIM 615373.

Allele frequency attached by ClinVar (database versions not stated): gnomAD exomes below 0.00001 and 0.00001; TOPMed below 0.00001; gnomAD 0.00001.

Submission:

Labcorp Genetics (formerly Invitae), Labcorp
Classification: Uncertain significance for Left ventricular noncompaction 8. Last evaluated: 2025-09-01. Review status: criteria provided, single submitter. Criteria: Invitae Variant Classification Sherloc (09022015). Collection method: clinical testing. Allele origin: germline.
Comment: This sequence change replaces alanine, which is neutral and non-polar, with valine, which is neutral and non-polar, at codon 503 of the PRDM16 protein (p.Ala503Val). The frequency data for this variant in the population databases is considered unreliable, as metrics indicate poor data quality at this position in the gnomAD database. This variant has not been reported in the literature in individuals affected with PRDM16-related conditions. ClinVar contains an entry for this variant (Variation ID: 641621). An algorithm developed to predict the effect of missense changes on protein structure and function (PolyPhen-2) suggests that this variant is likely to be disruptive. In summary, the available evidence is currently insufficient to determine the role of this variant in disease. Therefore, it has been classified as a Variant of Uncertain Significance.